The following is an entry in ClinVar:

NM_012418.4(FSCN2):c.725G>A (p.Arg242Gln)

Gene: FSCN2 (fascin actin-bundling protein 2, retinal; plus strand). Cytogenetic location: 17q25.3.
Variant type: single nucleotide variant.
Coding change: c.725G>A on transcript NM_012418.4 (MANE Select); coding-DNA position 725, G replaced by A.
Protein change: p.Arg242Gln; replaces arginine 242 with glutamine.
Molecular consequence: missense variant.
Genome position (GRCh38, 1-based): chr17:81,529,256, G>A. VCF-style: chr17-81529256-G-A. GRCh37 (hg19) VCF-style: chr17-79496282-G-A.
Other names: c.725G>A (NM_001077182.2); c.725G>A, p.Arg242Gln (NM_001077182.3); short protein forms R242Q.
Identifiers: ClinVar variation 1053257 (VCV001053257.11), dbSNP rs78593950, ClinGen allele CA8836764.

ClinVar aggregate classification (germline): Uncertain significance. Review status: criteria provided, multiple submitters, no conflicts (2 of 4 stars). 2 submissions from 2 submitters: Uncertain significance (2). Last evaluated 2024-10-12.

Allele frequency attached by ClinVar (database versions not stated): gnomAD exomes 0.00001 and 0.00003; gnomAD 0.00002; TOPMed 0.00002; ExAC 0.00003.

Submissions (2):

Ambry Genetics
Classification: Uncertain significance. Last evaluated: 2024-10-12. Review status: criteria provided, single submitter. Criteria: Ambry Variant Classification Scheme 2023. Collection method: clinical testing. Allele origin: germline.

Labcorp Genetics (formerly Invitae), Labcorp
Classification: Uncertain significance. Last evaluated: 2024-06-20. Review status: criteria provided, single submitter. Criteria: Invitae Variant Classification Sherloc (09022015). Collection method: clinical testing. Allele origin: germline.
Comment: This sequence change replaces arginine, which is basic and polar, with glutamine, which is neutral and polar, at codon 242 of the FSCN2 protein (p.Arg242Gln). The frequency data for this variant in the population databases is considered unreliable, as metrics indicate poor data quality at this position in the gnomAD database. This variant has not been reported in the literature in individuals affected with FSCN2-related conditions. ClinVar contains an entry for this variant (Variation ID: 1053257). An algorithm developed to predict the effect of missense changes on protein structure and function (PolyPhen-2) suggests that this variant is likely to be disruptive. In summary, the available evidence is currently insufficient to determine the role of this variant in disease. Therefore, it has been classified as a Variant of Uncertain Significance.